The following is an entry in ClinVar:

NM_000257.4(MYH7):c.797-10C>A

Gene: MYH7 (myosin heavy chain 7; minus strand). Cytogenetic location: 14q11.2.
Variant type: single nucleotide variant.
Coding change: c.797-10C>A on transcript NM_000257.4 (MANE Select); 10 bases into the intron before coding-DNA position 797, C replaced by A.
Molecular consequence: intron variant.
Genome position (GRCh38, 1-based): chr14:23,431,009, G>T on the plus strand (C>A on the coding strand, the complement: MYH7 is on the minus strand). VCF-style: chr14-23431009-G-T. GRCh37 (hg19) VCF-style: chr14-23900218-G-T.
Identifiers: ClinVar variation 644676 (VCV000644676.14), dbSNP rs757287735, ClinGen allele CA049182.

ClinVar aggregate classification (germline): Conflicting classifications of pathogenicity. Review status: criteria provided, conflicting classifications (1 of 4 stars). 4 submissions from 4 submitters: Uncertain significance (1); Likely benign (3). Last evaluated 2025-12-23.

Conditions:
Hypertrophic cardiomyopathy. Also called: HYPERTROPHIC MYOCARDIOPATHY. Identifiers: Orphanet 217569, MedGen C0007194, MeSH D002312, MONDO:0005045, HP:0001639.
Cardiomyopathy (CMYO). Also called: Cardiomyopathies. Identifiers: Orphanet 167848, MedGen C0878544, MONDO:0004994, HP:0001638. Inheritance: Various modes of inheritance.

Allele frequency attached by ClinVar (database versions not stated): ExAC 0.00002; gnomAD exomes 0.00002 and 0.00004; TOPMed 0.00002.
gnomAD v4.1: 62 of 1,590,732 alleles (0.0039%); highest among the groups gnomAD compares: Non-Finnish European, 0.0049%; no homozygotes.

Submissions (4):

Labcorp Genetics (formerly Invitae), Labcorp
Classification: Likely benign for Hypertrophic cardiomyopathy. Last evaluated: 2025-12-23. Review status: criteria provided, single submitter. Criteria: Invitae Variant Classification Sherloc (09022015). Collection method: clinical testing. Allele origin: germline.

Blueprint Genetics
Classification: Uncertain significance. Last evaluated: 2024-09-10. Review status: criteria provided, single submitter. Criteria: ACMG Guidelines, 2015. Collection method: clinical testing. Allele origin: germline.

All of Us Research Program, National Institutes of Health
Classification: Likely benign for Cardiomyopathy. Last evaluated: 2023-12-13. Review status: criteria provided, single submitter. Criteria: ACMG Guidelines, 2015. Collection method: clinical testing. Allele origin: germline. Inheritance: Autosomal dominant inheritance. Observed: 9 variant alleles, 9 heterozygotes.
Comment: This study involves interpretation of variants in research participants for the purpose of population health screening. Participant phenotype was not available at the time of variant classification. Additional details can be found in publication PMID: 35346344, PMCID: PMC8962531

Color Diagnostics, LLC DBA Color Health
Classification: Likely benign for Cardiomyopathy. Last evaluated: 2018-12-31. Review status: criteria provided, single submitter. Criteria: ACMG Guidelines, 2015. Collection method: clinical testing. Allele origin: germline.